The following is an entry in ClinVar:

NM_138927.4(SON):c.3586C>T (p.Pro1196Ser)

Gene: SON (SON DNA and RNA binding protein; plus strand). Cytogenetic location: 21q22.11.
Variant type: single nucleotide variant.
Coding change: c.3586C>T on transcript NM_138927.4 (MANE Select); coding-DNA position 3586, C replaced by T.
Protein change: p.Pro1196Ser; replaces proline 1196 with serine.
Molecular consequence: missense variant. On other transcripts: non-coding transcript variant (1), intron variant (1).
Genome position (GRCh38, 1-based): chr21:33,552,817, C>T. VCF-style: chr21-33552817-C-T. GRCh37 (hg19) VCF-style: chr21-34925123-C-T.
Other names: c.3586C>T, p.Pro1196Ser (NM_001291411.2, NM_001412133.1, NM_032195.3 and 2 more transcripts); c.245-4339C>T (NM_001291412.3); short protein forms P1196S.
Identifiers: ClinVar variation 2058630 (VCV002058630.4), dbSNP rs750259127, ClinGen allele CA10009319.

ClinVar aggregate classification (germline): Uncertain significance (1 of 4 stars; one submission).

Allele frequency attached by ClinVar (database versions not stated): gnomAD exomes below 0.00001; ExAC 0.00001.

Submission:

Labcorp Genetics (formerly Invitae), Labcorp
Classification: Uncertain significance. Last evaluated: 2024-11-11. Review status: criteria provided, single submitter. Criteria: Invitae Variant Classification Sherloc (09022015). Collection method: clinical testing. Allele origin: germline.
Comment: This sequence change replaces proline, which is neutral and non-polar, with serine, which is neutral and polar, at codon 1196 of the SON protein (p.Pro1196Ser). This variant is present in population databases (rs750259127, gnomAD 0.0009%). This variant has not been reported in the literature in individuals affected with SON-related conditions. ClinVar contains an entry for this variant (Variation ID: 2058630). An algorithm developed to predict the effect of missense changes on protein structure and function outputs the following: PolyPhen-2: "Benign". The serine amino acid residue is found in multiple mammalian species, which suggests that this missense change does not adversely affect protein function. In summary, the available evidence is currently insufficient to determine the role of this variant in disease. Therefore, it has been classified as a Variant of Uncertain Significance.